The following is an entry in ClinVar:

ClinVar aggregate classification (germline): Uncertain significance (1 of 4 stars; one submission).

Submission:

GeneDx
Classification: Uncertain significance. Last evaluated: 2023-10-12. Review status: criteria provided, single submitter. Criteria: GeneDx Variant Classification Process June 2021. Collection method: clinical testing. Allele origin: germline. Affected: yes.
Comment: Not observed at significant frequency in large population cohorts (gnomAD); In silico analysis supports that this missense variant has a deleterious effect on protein structure/function; Has not been previously published as pathogenic or benign to our knowledge

NM_003072.5(SMARCA4):c.1819G>A (p.Asp607Asn)

Gene: SMARCA4 (SWI/SNF related, matrix associated, actin dependent regulator of chromatin, subfamily a, member 4; plus strand). Cytogenetic location: 19p13.2.
Variant type: single nucleotide variant.
Coding change: c.1819G>A on transcript NM_003072.5 (MANE Select); coding-DNA position 1819, G replaced by A.
Protein change: p.Asp607Asn; replaces aspartic acid 607 with asparagine.
Molecular consequence: missense variant. On other transcripts: non-coding transcript variant (1).
Genome position (GRCh38, 1-based): chr19:11,003,035, G>A. VCF-style: chr19-11003035-G-A. GRCh37 (hg19) VCF-style: chr19-11113711-G-A.
Other names: c.1819G>A, p.Asp607Asn (NM_001128844.3, NM_001128845.2, NM_001128846.2 and 5 more transcripts); short protein forms D607N.
Identifiers: ClinVar variation 1329567 (VCV001329567.3), dbSNP rs2146094540, ClinGen allele CA404051392.